The following is an entry in ClinVar:

NM_001792.5(CDH2):c.1696G>A (p.Val566Met)

Gene: CDH2 (cadherin 2; minus strand). Cytogenetic location: 18q12.1.
Variant type: single nucleotide variant.
Coding change: c.1696G>A on transcript NM_001792.5 (MANE Select); coding-DNA position 1696, G replaced by A.
Protein change: p.Val566Met; replaces valine 566 with methionine.
Molecular consequence: missense variant.
Genome position (GRCh38, 1-based): chr18:27,988,569, C>T on the plus strand (G>A on the coding strand, the complement: CDH2 is on the minus strand). VCF-style: chr18-27988569-C-T. GRCh37 (hg19) VCF-style: chr18-25568533-C-T.
Other names: c.1696G>A (NM_001792.3); c.1603G>A, p.Val535Met (NM_001308176.2); short protein forms V535M, V566M.
Identifiers: ClinVar variation 1959614 (VCV001959614.7), dbSNP rs752473363, ClinGen allele CA297682706.

ClinVar aggregate classification (germline): Uncertain significance. Review status: criteria provided, multiple submitters, no conflicts (2 of 4 stars). 3 submissions from 3 submitters: Uncertain significance (2). 1 of the submissions does not count toward it. Last evaluated 2025-12-03.

Conditions:
Agenesis of corpus callosum, cardiac, ocular, and genital syndrome. Identifiers: MedGen C5394523, MONDO:0030065, OMIM 618929.
Inborn genetic diseases. Identifiers: MedGen C0950123, MeSH D030342.

gnomAD v4.1: 25 of 1,613,092 alleles (0.0015%); highest among the groups gnomAD compares: Middle Eastern, 0.099%; 1 homozygote.

Submissions (3):

Labcorp Genetics (formerly Invitae), Labcorp
Classification: Uncertain significance. Last evaluated: 2025-12-03. Review status: criteria provided, single submitter. Criteria: Invitae Variant Classification Sherloc (09022015). Collection method: clinical testing. Allele origin: germline.
Comment: This sequence change replaces valine, which is neutral and non-polar, with methionine, which is neutral and non-polar, at codon 566 of the CDH2 protein (p.Val566Met). This variant is present in population databases (rs752473363, gnomAD 0.002%). This variant has not been reported in the literature in individuals affected with CDH2-related conditions. ClinVar contains an entry for this variant (Variation ID: 1959614). An algorithm developed to predict the effect of missense changes on protein structure and function (PolyPhen-2) suggests that this variant is likely to be disruptive. In summary, the available evidence is currently insufficient to determine the role of this variant in disease. Therefore, it has been classified as a Variant of Uncertain Significance.

Ambry Genetics
Classification: Uncertain significance for Inborn genetic diseases. Last evaluated: 2025-02-27. Review status: criteria provided, single submitter. Criteria: Ambry Variant Classification Scheme 2023. Collection method: clinical testing. Allele origin: germline.

Clinical Genetics Laboratory, University Hospital Schleswig-Holstein
Classification: Uncertain significance for Agenesis of corpus callosum, cardiac, ocular, and genital syndrome. Last evaluated: 2023-12-06. Review status: no assertion criteria provided. Collection method: clinical testing. Allele origin: germline. Affected: yes. Not counted in ClinVar's aggregate classification.